The following is an entry in ClinVar:

NM_001035.3(RYR2):c.13417C>A (p.Pro4473Thr)

Gene: RYR2 (ryanodine receptor 2; plus strand). Cytogenetic location: 1q43.
Variant type: single nucleotide variant.
Coding change: c.13417C>A on transcript NM_001035.3 (MANE Select); coding-DNA position 13417, C replaced by A.
Protein change: p.Pro4473Thr; replaces proline 4473 with threonine.
Molecular consequence: missense variant.
Genome position (GRCh38, 1-based): chr1:237,788,076, C>A. VCF-style: chr1-237788076-C-A. GRCh37 (hg19) VCF-style: chr1-237951376-C-A.
Other names: c.13417C>A (NM_001035.2); short protein forms P4473T.
Identifiers: ClinVar variation 1043523 (VCV001043523.11), dbSNP rs571824543, ClinGen allele CA39830353.

ClinVar aggregate classification (germline): Uncertain significance. Review status: criteria provided, multiple submitters, no conflicts (2 of 4 stars). 2 submissions from 2 submitters: Uncertain significance (2). Last evaluated 2025-05-22.

Conditions:
Catecholaminergic polymorphic ventricular tachycardia 1. Also called: VENTRICULAR TACHYCARDIA, CATECHOLAMINERGIC POLYMORPHIC, 1, WITH OR WITHOUT ATRIAL DYSFUNCTION AND/OR DILATED CARDIOMYOPATHY; VENTRICULAR TACHYCARDIA, STRESS-INDUCED POLYMORPHIC 1; RYR2-Related Catecholaminergic Polymorphic Ventricular Tachycardia. Identifiers: Orphanet 3286, MedGen C1631597, MONDO:0011484, OMIM 604772.
Cardiovascular phenotype. Identifiers: MedGen CN230736.

Submissions (2):

Ambry Genetics
Classification: Uncertain significance for Cardiovascular phenotype. Last evaluated: 2025-05-22. Review status: criteria provided, single submitter. Criteria: Ambry Variant Classification Scheme 2023. Collection method: clinical testing. Allele origin: germline.
Comment: The p.P4473T variant (also known as c.13417C>A), located in coding exon 92 of the RYR2 gene, results from a C to A substitution at nucleotide position 13417. The proline at codon 4473 is replaced by threonine, an amino acid with highly similar properties. This amino acid position is well conserved in available vertebrate species. In addition, this alteration is predicted to be tolerated by in silico analysis. Based on the available evidence, the clinical significance of this variant remains unclear.

Labcorp Genetics (formerly Invitae), Labcorp
Classification: Uncertain significance for Catecholaminergic polymorphic ventricular tachycardia 1. Last evaluated: 2020-08-02. Review status: criteria provided, single submitter. Criteria: Invitae Variant Classification Sherloc (09022015). Collection method: clinical testing. Allele origin: germline.
Comment: In summary, the available evidence is currently insufficient to determine the role of this variant in disease. Therefore, it has been classified as a Variant of Uncertain Significance. Advanced modeling of protein sequence and biophysical properties (such as structural, functional, and spatial information, amino acid conservation, physicochemical variation, residue mobility, and thermodynamic stability) performed at Invitae indicates that this missense variant is not expected to disrupt RYR2 protein function. This variant has not been reported in the literature in individuals with RYR2-related conditions. This variant is not present in population databases (ExAC no frequency). This sequence change replaces proline with threonine at codon 4473 of the RYR2 protein (p.Pro4473Thr). The proline residue is highly conserved and there is a small physicochemical difference between proline and threonine.